The following is an entry in ClinVar:

NM_000038.6(APC):c.6913A>G (p.Arg2305Gly)

Gene: APC (APC regulator of Wnt signaling pathway; plus strand). Cytogenetic location: 5q22.2.
Variant type: single nucleotide variant.
Coding change: c.6913A>G on transcript NM_000038.6 (MANE Select); coding-DNA position 6913, A replaced by G.
Protein change: p.Arg2305Gly; replaces arginine 2305 with glycine.
Molecular consequence: missense variant.
Genome position (GRCh38, 1-based): chr5:112,842,507, A>G. VCF-style: chr5-112842507-A-G. GRCh37 (hg19) VCF-style: chr5-112178204-A-G.
Other names: c.6913A>G, p.Arg2305Gly (NM_001127510.3, NM_001354895.2); c.6859A>G, p.Arg2287Gly (NM_001127511.3); c.6967A>G, p.Arg2323Gly (NM_001354896.2); c.6943A>G, p.Arg2315Gly (NM_001354897.2); c.6838A>G, p.Arg2280Gly (NM_001354898.2); c.6829A>G, p.Arg2277Gly (NM_001354899.2); c.6790A>G, p.Arg2264Gly (NM_001354900.2); c.6736A>G, p.Arg2246Gly (NM_001354901.2); and 5 more; short protein forms R2305G, R2287G, R2022G, R2214G, R2246G, R2179G, R2277G, R2315G.
Identifiers: ClinVar variation 411553 (VCV000411553.11), dbSNP rs1060503370, ClinGen allele CA16036410.

ClinVar aggregate classification (germline): Uncertain significance. Review status: criteria provided, multiple submitters, no conflicts (2 of 4 stars). 2 submissions from 2 submitters: Uncertain significance (2). Last evaluated 2024-06-30.

Conditions:
Familial adenomatous polyposis 1 (FAP1). Also called: FAMILIAL ADENOMATOUS POLYPOSIS 1, ATTENUATED; POLYPOSIS, ADENOMATOUS INTESTINAL. Identifiers: MedGen C2713442, MONDO:0021056, OMIM 175100. Disease mechanism: loss of function.
Hereditary cancer-predisposing syndrome. Also called: Tumor predisposition; Hereditary Cancer Syndrome; Hereditary neoplastic syndrome; Neoplastic Syndromes, Hereditary. Identifiers: Orphanet 140162, MedGen C0027672, MeSH D009386, MONDO:0015356.

Allele frequency attached by ClinVar (database versions not stated): gnomAD exomes below 0.00001.
gnomAD v4.1: 2 of 1,614,056 alleles (0.00012%); highest among the groups gnomAD compares: Non-Finnish European, 0.00017%; no homozygotes.

Submissions (2):

Ambry Genetics
Classification: Uncertain significance for Hereditary cancer-predisposing syndrome. Last evaluated: 2024-06-30. Review status: criteria provided, single submitter. Criteria: Ambry Variant Classification Scheme 2023. Collection method: clinical testing. Allele origin: germline.
Comment: The p.R2305G variant (also known as c.6913A>G), located in coding exon 15 of the APC gene, results from an A to G substitution at nucleotide position 6913. The arginine at codon 2305 is replaced by glycine, an amino acid with dissimilar properties. This amino acid position is conserved. In addition, in silico predictors for this gene do not accurately predict pathogenicity. Based on the available evidence, the clinical significance of this variant remains unclear.

Labcorp Genetics (formerly Invitae), Labcorp
Classification: Uncertain significance for Familial adenomatous polyposis 1. Last evaluated: 2022-09-01. Review status: criteria provided, single submitter. Criteria: Invitae Variant Classification Sherloc (09022015). Collection method: clinical testing. Allele origin: germline.
Comment: This sequence change replaces arginine, which is basic and polar, with glycine, which is neutral and non-polar, at codon 2305 of the APC protein (p.Arg2305Gly). In summary, the available evidence is currently insufficient to determine the role of this variant in disease. Therefore, it has been classified as a Variant of Uncertain Significance. Algorithms developed to predict the effect of missense changes on protein structure and function are either unavailable or do not agree on the potential impact of this missense change (SIFT: "Deleterious"; PolyPhen-2: "Probably Damaging"; Align-GVGD: "Class C0"). ClinVar contains an entry for this variant (Variation ID: 411553). This variant has not been reported in the literature in individuals affected with APC-related conditions. This variant is not present in population databases (gnomAD no frequency).